The following is an entry in ClinVar:

ClinVar aggregate classification (germline): Benign (1 of 4 stars; one submission).

Allele frequency attached by ClinVar (database versions not stated): TOPMed 0.00016; gnomAD 0.00021; ExAC 0.00039; gnomAD exomes 0.00049; 1000 Genomes Project 30x 0.00125; 1000 Genomes Project 0.00160.

Submission:

CeGaT Center for Human Genetics Tuebingen
Classification: Benign. Last evaluated: 2024-01-01. Review status: criteria provided, single submitter. Criteria: CeGaT Center For Human Genetics Tuebingen Variant Classification Criteria Version 2. Collection method: clinical testing. Allele origin: germline. Affected: yes. Observed: 1 variant allele.
Comment: AHNAK2: BP4, BS1, BS2

NM_138420.4(AHNAK2):c.13453T>C (p.Ser4485Pro)

Gene: AHNAK2 (AHNAK nucleoprotein 2; minus strand). Cytogenetic location: 14q32.33.
Variant type: single nucleotide variant.
Coding change: c.13453T>C on transcript NM_138420.4 (MANE Select); coding-DNA position 13453, T replaced by C.
Protein change: p.Ser4485Pro; replaces serine 4485 with proline.
Molecular consequence: missense variant.
Genome position (GRCh38, 1-based): chr14:104,941,998, A>G on the plus strand (T>C on the coding strand, the complement: AHNAK2 is on the minus strand). VCF-style: chr14-104941998-A-G. GRCh37 (hg19) VCF-style: chr14-105408335-A-G.
Other names: c.13153T>C, p.Ser4385Pro (NM_001350929.2); short protein forms S4385P, S4485P.
Identifiers: ClinVar variation 3025793 (VCV003025793.22), dbSNP rs150385420, ClinGen allele CA7377918.
Genomic context (GRCh38, chr14:104,941,998, plus strand): 5'-CCCCCTGCATGGAGGGAATGCTCATGTCGGCCTCCATCTTTGGCGCAGACACATCCACCG[A>G]GACCTCGATGGACTTGCCTGGGGACAACATCCCAAAGGATGGCATCTTGAACTTGGGCAT-3'
Protein context (NP_612429.2, residues 4475-4495): MLSPGKSIEV[Ser4485Pro]VDVSAPKMEA